The following is an entry in ClinVar:

NM_020738.4(KIDINS220):c.3474C>T (p.Leu1158=)

Gene: KIDINS220 (kinase D interacting substrate 220; minus strand). Cytogenetic location: 2p25.1.
Variant type: single nucleotide variant.
Coding change: c.3474C>T on transcript NM_020738.4 (MANE Select); coding-DNA position 3474, C replaced by T.
Protein change: p.Leu1158=; no amino-acid change (leucine 1158 retained).
Molecular consequence: synonymous variant. On other transcripts: non-coding transcript variant (1), intron variant (8).
Genome position (GRCh38, 1-based): chr2:8,747,941, G>A on the plus strand (C>T on the coding strand, the complement: KIDINS220 is on the minus strand). VCF-style: chr2-8747941-G-A. GRCh37 (hg19) VCF-style: chr2-8888071-G-A.
Other names: c.3477C>T, p.Leu1159= (NM_001348729.2, NM_001348731.2); c.3474C>T, p.Leu1158= (NM_001348732.2, NM_001348738.2); c.3414+2171C>T (NM_001348741.2, NM_001348742.2, NM_001348743.2 and 1 more transcripts); c.3417+2171C>T (NM_001348739.2, NM_001348740.2, NM_001348734.2); c.3288+2171C>T (NM_001348736.2).
Identifiers: ClinVar variation 3353585 (VCV003353585.1).

ClinVar aggregate classification (germline): Likely benign (0 of 4 stars; one submission).

Conditions:
KIDINS220-related disorder. Also called: KIDINS220-related condition.

Submission:

PreventionGenetics, part of Exact Sciences
Classification: Likely benign for KIDINS220-related condition. Last evaluated: 2024-07-24. Review status: no assertion criteria provided. Collection method: clinical testing. Allele origin: germline.
Comment: This variant is classified as likely benign based on ACMG/AMP sequence variant interpretation guidelines (Richards et al. 2015 PMID: 25741868, with internal and published modifications).